The following is an entry in ClinVar:

ClinVar aggregate classification (germline): Uncertain significance (1 of 4 stars; one submission).

Allele frequency attached by ClinVar (database versions not stated): ExAC 0.00005; ESP Exome Variant Server 0.00008; gnomAD exomes 0.00002; gnomAD 0.00004.
gnomAD v4.1: 39 of 1,613,578 alleles (0.0024%); highest among the groups gnomAD compares: Non-Finnish European, 0.0017%; no homozygotes.

Submission:

Labcorp Genetics (formerly Invitae), Labcorp
Classification: Uncertain significance. Last evaluated: 2025-11-03. Review status: criteria provided, single submitter. Criteria: Invitae Variant Classification Sherloc (09022015). Collection method: clinical testing. Allele origin: germline.
Comment: This sequence change replaces aspartic acid, which is acidic and polar, with asparagine, which is neutral and polar, at codon 141 of the DUOX2 protein (p.Asp141Asn). This variant is present in population databases (rs376160362, gnomAD 0.04%). This variant has not been reported in the literature in individuals affected with DUOX2-related conditions. ClinVar contains an entry for this variant (Variation ID: 2781992). Invitae Evidence Modeling of protein sequence and biophysical properties (such as structural, functional, and spatial information, amino acid conservation, physicochemical variation, residue mobility, and thermodynamic stability) indicates that this missense variant is not expected to disrupt DUOX2 protein function with a negative predictive value of 80%. In summary, the available evidence is currently insufficient to determine the role of this variant in disease. Therefore, it has been classified as a Variant of Uncertain Significance.

NM_001363711.2(DUOX2):c.421G>A (p.Asp141Asn)

Gene: DUOX2 (dual oxidase 2; minus strand). Cytogenetic location: 15q21.1.
Variant type: single nucleotide variant.
Coding change: c.421G>A on transcript NM_001363711.2 (MANE Select); coding-DNA position 421, G replaced by A.
Protein change: p.Asp141Asn; replaces aspartic acid 141 with asparagine.
Molecular consequence: missense variant.
Genome position (GRCh38, 1-based): chr15:45,111,860, C>T on the plus strand (G>A on the coding strand, the complement: DUOX2 is on the minus strand). VCF-style: chr15-45111860-C-T. GRCh37 (hg19) VCF-style: chr15-45404058-C-T.
Other names: c.421G>A, p.Asp141Asn (NM_014080.5); short protein forms D141N.
Identifiers: ClinVar variation 2781992 (VCV002781992.3), dbSNP rs376160362, ClinGen allele CA7538959.